The following is an entry in ClinVar:

NM_152305.3(POGLUT1):c.362G>A (p.Arg121His)

Gene: POGLUT1 (protein O-glucosyltransferase 1; plus strand). Cytogenetic location: 3q13.33.
Variant type: single nucleotide variant.
Coding change: c.362G>A on transcript NM_152305.3 (MANE Select); coding-DNA position 362, G replaced by A.
Protein change: p.Arg121His; replaces arginine 121 with histidine.
Molecular consequence: missense variant. On other transcripts: non-coding transcript variant (1).
Genome position (GRCh38, 1-based): chr3:119,477,354, G>A. VCF-style: chr3-119477354-G-A. GRCh37 (hg19) VCF-style: chr3-119196201-G-A.
Other names: short protein forms R121H.
Identifiers: ClinVar variation 860230 (VCV000860230.12), dbSNP rs147674217, ClinGen allele CA2554829.

ClinVar aggregate classification (germline): Conflicting classifications of pathogenicity. Review status: criteria provided, conflicting classifications (1 of 4 stars). 4 submissions from 4 submitters: Uncertain significance (3); Likely benign (1). Last evaluated 2026-01-22.

Conditions:
Inborn genetic diseases. Identifiers: MedGen C0950123, MeSH D030342.

Allele frequency attached by ClinVar (database versions not stated): gnomAD 0.00015 and 0.00016; 1000 Genomes Project 0.00020; TOPMed 0.00029; 1000 Genomes Project 30x 0.00031; ExAC 0.00006; gnomAD exomes 0.00007; ESP Exome Variant Server 0.00008.
gnomAD v4.1: 177 of 1,613,474 alleles (0.011%); highest among the groups gnomAD compares: Admixed American, 0.032%; no homozygotes.

Submissions (4):

Labcorp Genetics (formerly Invitae), Labcorp
Classification: Uncertain significance. Last evaluated: 2026-01-22. Review status: criteria provided, single submitter. Criteria: Invitae Variant Classification Sherloc (09022015). Collection method: clinical testing. Allele origin: germline.
Comment: This sequence change replaces arginine, which is basic and polar, with histidine, which is basic and polar, at codon 121 of the POGLUT1 protein (p.Arg121His). This variant is present in population databases (rs147674217, gnomAD 0.01%). This variant has not been reported in the literature in individuals affected with POGLUT1-related conditions. ClinVar contains an entry for this variant (Variation ID: 860230). Invitae Evidence Modeling of protein sequence and biophysical properties (such as structural, functional, and spatial information, amino acid conservation, physicochemical variation, residue mobility, and thermodynamic stability) indicates that this missense variant is not expected to disrupt POGLUT1 protein function with a negative predictive value of 80%. In summary, the available evidence is currently insufficient to determine the role of this variant in disease. Therefore, it has been classified as a Variant of Uncertain Significance.

GeneDx
Classification: Uncertain significance. Last evaluated: 2025-07-09. Review status: criteria provided, single submitter. Criteria: GeneDx Variant Classification Process June 2021. Collection method: clinical testing. Allele origin: germline.
Comment: In silico analysis suggests that this missense variant does not alter protein structure/function; Has not been previously published as pathogenic or benign to our knowledge

Ambry Genetics
Classification: Likely benign for Inborn genetic diseases. Last evaluated: 2023-11-13. Review status: criteria provided, single submitter. Criteria: Ambry Variant Classification Scheme 2023. Collection method: clinical testing. Allele origin: germline.

Revvity Omics, Revvity
Classification: Uncertain significance. Last evaluated: 2019-10-16. Review status: criteria provided, single submitter. Criteria: ACMG Guidelines, 2015. Collection method: clinical testing. Allele origin: germline.